The following is an entry in ClinVar:

NM_012123.4(MTO1):c.970C>T (p.Arg324Cys)

Gene: MTO1 (mitochondrial tRNA translation optimization 1; plus strand). Cytogenetic location: 6q13.
Variant type: single nucleotide variant.
Coding change: c.970C>T on transcript NM_012123.4 (MANE Select); coding-DNA position 970, C replaced by T.
Protein change: p.Arg324Cys; replaces arginine 324 with cysteine.
Molecular consequence: missense variant.
Genome position (GRCh38, 1-based): chr6:73,479,967, C>T. VCF-style: chr6-73479967-C-T. GRCh37 (hg19) VCF-style: chr6-74189690-C-T.
Other names: c.970C>T, p.Arg324Cys (NM_001123226.2, NM_133645.3); c.970C>T (NM_001123226.1); short protein forms R324C.
Identifiers: ClinVar variation 1400999 (VCV001400999.7), dbSNP rs759192206, ClinGen allele CA3889490.

ClinVar aggregate classification (germline): Uncertain significance. Review status: criteria provided, multiple submitters, no conflicts (2 of 4 stars). 2 submissions from 2 submitters: Uncertain significance (2). Last evaluated 2025-04-01.

Conditions:
Inborn genetic diseases. Identifiers: MedGen C0950123, MeSH D030342.
Mitochondrial hypertrophic cardiomyopathy with lactic acidosis due to MTO1 deficiency. Also called: CARDIOMYOPATHY, INFANTILE HYPERTROPHIC MITOCHONDRIAL, AND LACTIC ACIDOSIS; Combined oxidative phosphorylation deficiency 10. Identifiers: Orphanet 314637, MedGen C4749921, MONDO:0013865, OMIM 614702.

Allele frequency attached by ClinVar (database versions not stated): ExAC 0.00001; TOPMed 0.00005; gnomAD exomes 0.00002; gnomAD 0.00006.

Submissions (2):

Ambry Genetics
Classification: Uncertain significance for Inborn genetic diseases. Last evaluated: 2025-04-01. Review status: criteria provided, single submitter. Criteria: Ambry Variant Classification Scheme 2023. Collection method: clinical testing. Allele origin: germline.

Labcorp Genetics (formerly Invitae), Labcorp
Classification: Uncertain significance for Mitochondrial hypertrophic cardiomyopathy with lactic acidosis due to MTO1 deficiency. Last evaluated: 2023-05-06. Review status: criteria provided, single submitter. Criteria: Invitae Variant Classification Sherloc (09022015). Collection method: clinical testing. Allele origin: germline.
Comment: In summary, the available evidence is currently insufficient to determine the role of this variant in disease. Therefore, it has been classified as a Variant of Uncertain Significance. Algorithms developed to predict the effect of sequence changes on RNA splicing suggest that this variant may create or strengthen a splice site. Advanced modeling of protein sequence and biophysical properties (such as structural, functional, and spatial information, amino acid conservation, physicochemical variation, residue mobility, and thermodynamic stability) has been performed at Invitae for this missense variant, however the output from this modeling did not meet the statistical confidence thresholds required to predict the impact of this variant on MTO1 protein function. ClinVar contains an entry for this variant (Variation ID: 1400999). This variant has not been reported in the literature in individuals affected with MTO1-related conditions. This variant is present in population databases (rs759192206, gnomAD 0.004%). This sequence change replaces arginine, which is basic and polar, with cysteine, which is neutral and slightly polar, at codon 324 of the MTO1 protein (p.Arg324Cys).